The following is an entry in ClinVar:

NM_002890.3(RASA1):c.2329_2330del (p.Glu777fs)

Genes: CCNH (cyclin H; minus strand), RASA1 (RAS p21 protein activator 1; plus strand). Cytogenetic location: 5q14.3.
Variant type: Microsatellite.
Coding change: c.2329_2330del on transcript NM_002890.3 (MANE Select); coding-DNA positions 2329 to 2330, 2 bases deleted (GA; older notation c.2329_2330delGA).
Protein change: p.Glu777fs; shifts the reading frame from glutamic acid 777.
Molecular consequence: frameshift variant. On other transcripts: intron variant (1).
Genome position (GRCh38, 1-based): chr5:87,377,025-87,377,026, GA deleted; deleting any 2 consecutive bases within chr5:87,377,022-87,377,026 gives the same sequence; the c. name uses the placement nearest the transcript's 3' end. VCF-style (leftmost placement, unchanged base first): chr5-87377021-CAG-C. GRCh37 (hg19) VCF-style: chr5-86672838-CAG-C.
Other names: c.1798_1799del, p.Glu600fs (NM_022650.3); c.933+18021_933+18022del (NM_001364075.2); short protein forms E600fs, E777fs.
Identifiers: ClinVar variation 1451642 (VCV001451642.8), dbSNP rs2112492304, ClinGen allele CA2580613602.

ClinVar aggregate classification (germline): Pathogenic (1 of 4 stars; one submission).

Conditions:
Capillary malformation-arteriovenous malformation syndrome. Also called: Capillary malformation-arteriovenous malformation. Identifiers: Orphanet 137667, MedGen C1842180, MONDO:0012016.

Submission:

Labcorp Genetics (formerly Invitae), Labcorp
Classification: Pathogenic for Capillary malformation-arteriovenous malformation syndrome. Last evaluated: 2022-12-06. Review status: criteria provided, single submitter. Criteria: Invitae Variant Classification Sherloc (09022015). Collection method: clinical testing. Allele origin: germline.
Comment: For these reasons, this variant has been classified as Pathogenic. This variant has not been reported in the literature in individuals affected with RASA1-related conditions. This variant is not present in population databases (gnomAD no frequency). This sequence change creates a premature translational stop signal (p.Glu777Asnfs*6) in the RASA1 gene. It is expected to result in an absent or disrupted protein product. Loss-of-function variants in RASA1 are known to be pathogenic (PMID: 24038909).

Literature cited by the submitters: PubMed 24038909.